The following is an entry in ClinVar:

NM_138694.4(PKHD1):c.5642C>A (p.Ser1881Tyr)

Gene: PKHD1 (PKHD1 ciliary IPT domain containing fibrocystin/polyductin; minus strand). Cytogenetic location: 6p12.2.
Variant type: single nucleotide variant.
Coding change: c.5642C>A on transcript NM_138694.4 (MANE Select); coding-DNA position 5642, C replaced by A.
Protein change: p.Ser1881Tyr; replaces serine 1881 with tyrosine.
Molecular consequence: missense variant.
Genome position (GRCh38, 1-based): chr6:52,010,418, G>T on the plus strand (C>A on the coding strand, the complement: PKHD1 is on the minus strand). VCF-style: chr6-52010418-G-T. GRCh37 (hg19) VCF-style: chr6-51875216-G-T.
Other names: c.5642C>A, p.Ser1881Tyr (NM_170724.3); short protein forms S1881Y.
Identifiers: ClinVar variation 220460 (VCV000220460.1), dbSNP rs864622533, ClinGen allele CA348308.

ClinVar aggregate classification (germline): Uncertain significance (1 of 4 stars; one submission).

Conditions:
Autosomal recessive polycystic kidney disease (ARPKD). Also called: AR polycystic kidney disease. Identifiers: Orphanet 731, Orphanet 8378, MedGen C0085548, MeSH D017044, MONDO:0009889.

Submission:

Labcorp Genetics (formerly Invitae), Labcorp
Classification: Uncertain significance for Autosomal recessive polycystic kidney disease. Last evaluated: 2015-12-23. Review status: criteria provided, single submitter. Criteria: Invitae Variant Classification Sherloc (09022015). Collection method: clinical testing. Allele origin: germline.
Comment: This sequence change replaces serine with tyrosine at codon 1881 of the PKHD1 protein (p.Ser1881Tyr). The serine residue is highly conserved and there is a large physicochemical difference between serine and tyrosine. This variant is not present in population databases (ExAC no frequency) and has not been reported in the literature. Algorithms developed to predict the effect of missense changes on protein structure and function do not agree on the potential impact of this missense change (SIFT: "Deleterious"; PolyPhen-2: "Probably Damaging"; Align-GVGD: "Class C15"). In summary, this is a novel missense change with uncertain impact on protein function. It has been classified as a Variant of Uncertain Significance.